The following is an entry in ClinVar:

ClinVar aggregate classification (germline): Likely benign. Review status: criteria provided, multiple submitters, no conflicts (2 of 4 stars). 4 submissions from 4 submitters: Likely benign (4). Last evaluated 2025-10-17.

Conditions:
Developmental and epileptic encephalopathy, 18 (DEE18). Also called: Early infantile epileptic encephalopathy 18. Identifiers: Orphanet 369894, MedGen C3809624, MONDO:0014201, OMIM 615476.

Allele frequency attached by ClinVar (database versions not stated): TOPMed 0.00005.
gnomAD v4.1: 13 of 1,611,834 alleles (0.00081%); highest among the groups gnomAD compares: African/African-American, 0.013%; no homozygotes.

Submissions (4):

Labcorp Genetics (formerly Invitae), Labcorp
Classification: Likely benign. Last evaluated: 2025-10-17. Review status: criteria provided, single submitter. Criteria: Invitae Variant Classification Sherloc (09022015). Collection method: clinical testing. Allele origin: germline.

CeGaT Center for Human Genetics Tuebingen
Classification: Likely benign. Last evaluated: 2025-05-01. Review status: criteria provided, single submitter. Criteria: CeGaT Center For Human Genetics Tuebingen Variant Classification Criteria Version 2. Collection method: clinical testing. Allele origin: germline. Affected: yes. Observed: 1 variant allele.
Comment: SZT2: BP4, BP7

Genome-Nilou Lab
Classification: Likely benign for Developmental and epileptic encephalopathy, 18. Last evaluated: 2023-04-11. Review status: criteria provided, single submitter. Criteria: ACMG Guidelines, 2015. Collection method: clinical testing. Allele origin: germline. Affected: no.

GeneDx
Classification: Likely benign. Last evaluated: 2020-09-29. Review status: criteria provided, single submitter. Criteria: GeneDx Variant Classification Process June 2021. Collection method: clinical testing. Allele origin: germline. Affected: yes.

NM_001365999.1(SZT2):c.4915C>A (p.Arg1639=)

Gene: SZT2 (SZT2 subunit of KICSTOR complex; plus strand). Cytogenetic location: 1p34.2.
Variant type: single nucleotide variant.
Coding change: c.4915C>A on transcript NM_001365999.1 (MANE Select); coding-DNA position 4915, C replaced by A.
Protein change: p.Arg1639=; no amino-acid change (arginine 1639 retained).
Molecular consequence: synonymous variant.
Genome position (GRCh38, 1-based): chr1:43,431,089, C>A. VCF-style: chr1-43431089-C-A. GRCh37 (hg19) VCF-style: chr1-43896760-C-A.
Other names: c.4744C>A, p.Arg1582= (NM_015284.4).
Identifiers: ClinVar variation 957180 (VCV000957180.23), dbSNP rs753322092, ClinGen allele CA809400.